The following is an entry in ClinVar:

NM_018136.5(ASPM):c.6107T>G (p.Val2036Gly)

Gene: ASPM (assembly factor for spindle microtubules; minus strand). Cytogenetic location: 1q31.3.
Variant type: single nucleotide variant.
Coding change: c.6107T>G on transcript NM_018136.5 (MANE Select); coding-DNA position 6107, T replaced by G.
Protein change: p.Val2036Gly; replaces valine 2036 with glycine.
Molecular consequence: missense variant. On other transcripts: intron variant (1).
Genome position (GRCh38, 1-based): chr1:197,103,144, A>C on the plus strand (T>G on the coding strand, the complement: ASPM is on the minus strand). VCF-style: chr1-197103144-A-C. GRCh37 (hg19) VCF-style: chr1-197072274-A-C.
Other names: c.4066-6980T>G (NM_001206846.2); short protein forms V2036G.
Identifiers: ClinVar variation 234255 (VCV000234255.10), dbSNP rs763984813, ClinGen allele CA1309628.

ClinVar aggregate classification (germline): Conflicting classifications of pathogenicity. Review status: criteria provided, conflicting classifications (1 of 4 stars). 3 submissions from 3 submitters: Uncertain significance (2); Likely benign (1). Last evaluated 2025-01-07.

Conditions:
Microcephaly 5, primary, autosomal recessive (MCPH5). Also called: ASPM Primary Microcephaly. Identifiers: Orphanet 2512, MedGen C1837501, MONDO:0012106, OMIM 608716.

Allele frequency attached by ClinVar (database versions not stated): gnomAD 0.00001; TOPMed 0.00008; gnomAD exomes 0.00010 and 0.00021; ExAC 0.00016.
gnomAD v4.1: 59 of 1,612,442 alleles (0.0037%); highest among the groups gnomAD compares: Admixed American, 0.097%; no homozygotes.

Submissions (3):

Labcorp Genetics (formerly Invitae), Labcorp
Classification: Uncertain significance. Last evaluated: 2025-01-07. Review status: criteria provided, single submitter. Criteria: Invitae Variant Classification Sherloc (09022015). Collection method: clinical testing. Allele origin: germline.
Comment: This sequence change replaces valine, which is neutral and non-polar, with glycine, which is neutral and non-polar, at codon 2036 of the ASPM protein (p.Val2036Gly). This variant is present in population databases (rs763984813, gnomAD 0.2%). This variant has not been reported in the literature in individuals affected with ASPM-related conditions. ClinVar contains an entry for this variant (Variation ID: 234255). Invitae Evidence Modeling of protein sequence and biophysical properties (such as structural, functional, and spatial information, amino acid conservation, physicochemical variation, residue mobility, and thermodynamic stability) has been performed for this missense variant. However, the output from this modeling did not meet the statistical confidence thresholds required to predict the impact of this variant on ASPM protein function. In summary, the available evidence is currently insufficient to determine the role of this variant in disease. Therefore, it has been classified as a Variant of Uncertain Significance.

GeneDx
Classification: Likely benign. Last evaluated: 2019-07-23. Review status: criteria provided, single submitter. Criteria: GeneDx Variant Classification Process June 2021. Collection method: clinical testing. Allele origin: germline. Affected: yes.

Illumina Laboratory Services, Illumina
Classification: Uncertain significance for Microcephaly 5, primary, autosomal recessive. Last evaluated: 2018-01-13. Review status: criteria provided, single submitter. Criteria: ICSL Variant Classification Criteria 13 December 2019. Collection method: clinical testing. Allele origin: germline.